The following is an entry in ClinVar:

ClinVar aggregate classification (germline): Uncertain significance (1 of 4 stars; one submission).

Submission:

GeneDx
Classification: Uncertain significance. Last evaluated: 2019-09-03. Review status: criteria provided, single submitter. Criteria: GeneDx Variant Classification Process June 2021. Collection method: clinical testing. Allele origin: germline. Affected: yes.
Comment: Not observed in large population cohorts (Lek et al., 2016); In silico analysis, which includes protein predictors and evolutionary conservation, supports a deleterious effect; Has not been previously published as pathogenic or benign to our knowledge

NM_000687.4(AHCY):c.139G>A (p.Gly47Ser)

Gene: AHCY (adenosylhomocysteinase; minus strand). Cytogenetic location: 20q11.22.
Variant type: single nucleotide variant.
Coding change: c.139G>A on transcript NM_000687.4 (MANE Select); coding-DNA position 139, G replaced by A.
Protein change: p.Gly47Ser; replaces glycine 47 with serine.
Molecular consequence: missense variant.
Genome position (GRCh38, 1-based): chr20:34,295,475, C>T on the plus strand (G>A on the coding strand, the complement: AHCY is on the minus strand). VCF-style: chr20-34295475-C-T. GRCh37 (hg19) VCF-style: chr20-32883281-C-T.
Other names: c.55G>A, p.Gly19Ser (NM_001161766.2, NM_001322084.2, NM_001322085.2); c.145G>A, p.Gly49Ser (NM_001322086.2); c.139G>A, p.Gly47Ser (NM_001362750.2); short protein forms G19S, G47S, G49S.
Identifiers: ClinVar variation 1308129 (VCV001308129.2), dbSNP rs2122784514, ClinGen allele CA408660908.
Genomic context (GRCh38, chr20:34,295,475, plus strand): 5'-GGGTCTCAATGAGGACGGCCGTCTCCACGGTCATGTGCAGGCAGCCAGCGATGCGGGCGC[C>T]CTTCAGTGGCTTGGAGGCCGAGTACCGCTCCCGCATACGCATCAGGCCCGGCATCTCGTT-3'
Protein context (NP_000678.1, residues 37-57): ERYSASKPLK[Gly47Ser]ARIAGCLHMT